The following is an entry in ClinVar:

NM_000383.4(AIRE):c.1095+78del

Gene: AIRE (autoimmune regulator; plus strand). Cytogenetic location: 21q22.3.
Variant type: Deletion.
Coding change: c.1095+78del on transcript NM_000383.4 (MANE Select); 78 bases into the intron after coding-DNA position 1095, one base deleted (C; older notation c.1095+78delC).
Molecular consequence: intron variant.
Genome position (GRCh38, 1-based): chr21:44,292,479, C deleted; the last of 5 consecutive C bases (chr21:44,292,475-44,292,479); deleting any one gives the same sequence. VCF-style (leftmost placement, unchanged base first): chr21-44292474-AC-A. GRCh37 (hg19) VCF-style: chr21-45712357-AC-A.
Identifiers: ClinVar variation 803633 (VCV000803633.4), dbSNP rs5844181, ClinGen allele CA321794738.

ClinVar aggregate classification (germline): Benign. Review status: criteria provided, multiple submitters, no conflicts (2 of 4 stars). 3 submissions from 3 submitters: Benign (3). Last evaluated 2024-01-24.

Conditions:
Polyglandular autoimmune syndrome, type 1 (APS1). Also called: Whitaker syndrome; Autoimmune polyendocrinopathy syndrome , type I, with or without reversible metaphyseal dysplasia; PGA I; Autoimmune polyendocrinopathy syndrome, type I; AUTOIMMUNE POLYENDOCRINE SYNDROME, TYPE I, WITH OR WITHOUT REVERSIBLE METAPHYSEAL DYSPLASIA; HYPOADRENOCORTICISM WITH HYPOPARATHYROIDISM AND SUPERFICIAL MONILIASIS. Identifiers: Orphanet 3453, MedGen C0085859, MONDO:0009411, OMIM 240300.

Submissions (3):

Unidad de Genómica Garrahan, Hospital de Pediatría Garrahan
Classification: Benign. Last evaluated: 2024-01-24. Review status: criteria provided, single submitter. Criteria: ACMG Guidelines, 2015. Collection method: clinical testing. Allele origin: germline. Affected: no. Observed: 80 variant alleles.
Comment: This variant is classified as Benign based on local population frequency. This variant was detected in 84% of patients studied by a panel of primary immunodeficiencies. Number of patients: 80. Only high quality variants are reported.

GeneDx
Classification: Benign. Last evaluated: 2021-05-27. Review status: criteria provided, single submitter. Criteria: GeneDx Variant Classification Process June 2021. Collection method: clinical testing. Allele origin: germline. Affected: yes.

Mendelics
Classification: Benign for Polyglandular autoimmune syndrome, type 1. Last evaluated: 2019-05-28. Review status: criteria provided, single submitter. Criteria: Mendelics Assertion Criteria 2017. Collection method: clinical testing. Allele origin: unknown.